The following is an entry in ClinVar:

ClinVar aggregate classification (germline): Conflicting classifications of pathogenicity. Review status: criteria provided, conflicting classifications (1 of 4 stars). 2 submissions from 2 submitters: Uncertain significance (1); Likely benign (1). Last evaluated 2024-09-20.

Conditions:
Intellectual developmental disorder, X-linked 99, syndromic, female-restricted. Also called: Intellectual disability, X-linked 99, syndromic, female-restricted. Identifiers: MedGen C4225416, MONDO:0010502, OMIM 300968.
Intellectual developmental disorder, X-linked 99. Also called: Intellectual disability, X-linked 99. Identifiers: Orphanet 777, MedGen C3806746, MONDO:0010487, OMIM 300919.

Submissions (2):

3billion
Classification: Likely benign for Intellectual developmental disorder, X-linked 99; Intellectual developmental disorder, X-linked 99, syndromic, female-restricted. Last evaluated: 2024-09-20. Review status: criteria provided, single submitter. Criteria: ACMG Guidelines, 2015. Collection method: clinical testing. Allele origin: germline. Affected: no.
Comment: The hemizygous variant was found in patients diagnosed with another variant in a different gene, with no symptoms related to the gene containing the hemizygous variant.

Labcorp Genetics (formerly Invitae), Labcorp
Classification: Uncertain significance. Last evaluated: 2022-09-01. Review status: criteria provided, single submitter. Criteria: Invitae Variant Classification Sherloc (09022015). Collection method: clinical testing. Allele origin: germline.
Comment: This sequence change replaces proline, which is neutral and non-polar, with threonine, which is neutral and polar, at codon 1628 of the USP9X protein (p.Pro1628Thr). This variant is not present in population databases (gnomAD no frequency). This variant has not been reported in the literature in individuals affected with USP9X-related conditions. Algorithms developed to predict the effect of missense changes on protein structure and function are either unavailable or do not agree on the potential impact of this missense change (SIFT: "Deleterious"; PolyPhen-2: "Probably Damaging"; Align-GVGD: "Class C0"). In summary, the available evidence is currently insufficient to determine the role of this variant in disease. Therefore, it has been classified as a Variant of Uncertain Significance.

NM_001039591.3(USP9X):c.4882C>A (p.Pro1628Thr)

Gene: USP9X (ubiquitin specific peptidase 9 X-linked; plus strand). Cytogenetic location: Xp11.4.
Variant type: single nucleotide variant.
Coding change: c.4882C>A on transcript NM_001039591.3 (MANE Select); coding-DNA position 4882, C replaced by A.
Protein change: p.Pro1628Thr; replaces proline 1628 with threonine.
Molecular consequence: missense variant.
Genome position (GRCh38, 1-based): chrX:41,205,360, C>A. VCF-style: chrX-41205360-C-A. GRCh37 (hg19) VCF-style: chrX-41064613-C-A.
Other names: c.4882C>A, p.Pro1628Thr (NM_001039590.3); c.4897C>A, p.Pro1633Thr (NM_001410748.1, NM_001410749.1); short protein forms P1628T, P1633T.
Identifiers: ClinVar variation 2073589 (VCV002073589.5), dbSNP rs2519335932, ClinGen allele CA412781150.
Genomic context (GRCh38, chrX:41,205,360, plus strand): 5'-TAGAGCAATGTTGATCCCAGGGATGATGTATTTGGATATCCTCAACAATTTGAAGATAAA[C>A]CAGCATTAAGTAAAACTGAAGATAGAAAAGAGTACAACATTGGTGTCCTAAGACACCTTC-3'
Protein context (NP_001034680.2, residues 1618-1638): FGYPQQFEDK[Pro1628Thr]ALSKTEDRKE